The following is an entry in ClinVar:

ClinVar aggregate classification (germline): Pathogenic. Review status: criteria provided, multiple submitters, no conflicts (2 of 4 stars). 7 submissions from 7 submitters: Pathogenic (6). 1 of the submissions does not count toward it. Last evaluated 2025-12-27.

Conditions:
Geleophysic dysplasia 2 (GPHYSD2). Identifiers: Orphanet 2623, MedGen C3280054, MONDO:0013612, OMIM 614185.
Stiff skin syndrome (SSKS). Identifiers: Orphanet 2833, MedGen C1861456, MONDO:0008492, OMIM 184900.
Ectopia lentis 1, isolated, autosomal dominant (ECTOL1). Identifiers: Orphanet 1885, MedGen C3541518, MONDO:0007514, OMIM 129600.
Familial thoracic aortic aneurysm and aortic dissection (TAAD). Also called: Thoracic aortic aneurysms and dissections. Identifiers: Orphanet 91387, MedGen C4707243, MONDO:0019625.
Marfan syndrome (MFS). Also called: FBN1-Related Marfan Syndrome; Marfan syndrome, classic; MARFAN SYNDROME, TYPE I; Marfan syndrome type 1; Marfan's syndrome. Identifiers: Orphanet 284963, Orphanet 558, MedGen C0024796, MONDO:0007947, OMIM 154700.

Submissions (7):

Variantyx, Inc.
Classification: Pathogenic for Marfan syndrome. Last evaluated: 2025-12-27. Review status: criteria provided, single submitter. Criteria: Variantyx Assertion Criteria 2022. Collection method: clinical testing. Allele origin: germline. Inheritance: Autosomal dominant inheritance. Affected: yes.
Comment: This is a nonsynonymous variant in the FBN1 gene (OMIM: 134797). Pathogenic variants in this gene have been associated with autosomal dominant Marfan syndrome. This variant has been reported in several unrelated affected individuals (PMID: 19293843, 19863550, 35612688, 38190127, 36517271, 35058154) (PS4). It lies within a known hotspot for pathogenic variants or a well-established critical functional domain of the FBN1 protein (PMID: 16905551, 19349279) (PM1_Strong), and multiple computational algorithms predict a deleterious effect for this variant (REVEL score: 0.995) (PP3). This variant is absent from control populations (PM2). Based on the current evidence, this variant is classified as pathogenic for autosomal dominant Marfan syndrome.

Labcorp Genetics (formerly Invitae), Labcorp
Classification: Pathogenic for Marfan syndrome; Familial thoracic aortic aneurysm and aortic dissection. Last evaluated: 2025-06-08. Review status: criteria provided, single submitter. Criteria: Invitae Variant Classification Sherloc (09022015). Collection method: clinical testing. Allele origin: germline.
Comment: This sequence change replaces cysteine, which is neutral and slightly polar, with arginine, which is basic and polar, at codon 1408 of the FBN1 protein (p.Cys1408Arg). This variant is not present in population databases (gnomAD no frequency). This missense change has been observed in individual(s) with Marfan syndrome (PMID: 19293843, 19863550). In at least one individual the variant was observed to be de novo. ClinVar contains an entry for this variant (Variation ID: 42351). Invitae Evidence Modeling of protein sequence and biophysical properties (such as structural, functional, and spatial information, amino acid conservation, physicochemical variation, residue mobility, and thermodynamic stability) indicates that this missense variant is expected to disrupt FBN1 protein function with a positive predictive value of 95%. This variant affects a cysteine residue in the EGF-like, TGFBP or hybrid motif domains of FBN1. Cysteine residues are believed to be involved in intramolecular disulfide bridges and have been shown to be important for FBN1 protein structure (PMID: 16905551, 19349279). In addition, missense substitutions affecting cysteine residues within these domains are significantly overrepresented among patients with Marfan syndrome (PMID: 16571647, 17701892). For these reasons, this variant has been classified as Pathogenic.

Ambry Genetics
Classification: Pathogenic for Familial thoracic aortic aneurysm and aortic dissection. Last evaluated: 2021-10-28. Review status: criteria provided, single submitter. Criteria: Ambry Variant Classification Scheme 2023. Collection method: clinical testing. Allele origin: germline.
Comment: The p.C1408R pathogenic mutation (also known as c.4222T>C), located in coding exon 34 of the FBN1 gene, results from a T to C substitution at nucleotide position 4222. The cysteine at codon 1408 is replaced by arginine, an amino acid with highly dissimilar properties. This alteration has been reported in association with Marfan syndrome and thoracic aortic aneurysm and dissection (TAAD) (Tan L et al. Hum Mol Genet, 2017 12;26:4814-4822; Stheneur C et al. Eur J Hum Genet, 2009 Sep;17:1121-8; Baetens M et al. Hum Mutat, 2011 Sep;32:1053-62; Lerner-Ellis JP et al. Mol Genet Metab, 2014 Jun;112:171-6; Gentilini D et al. PLoS One, 2019 Sep;14:e0222506; Mannucci L et al. Clin Chim Acta, 2020 Feb;501:154-164). This variant is considered to be rare based on population cohorts in the Genome Aggregation Database (gnomAD). In addition, other alterations affecting the same amino acid, p.C1408F (c.4223G>T) and p.C1408S (c.4223G>C), have been reported in association with FBN1-related disease (Tiecke F et al. Eur J Hum Genet, 2001 Jan;9:13-21; Tan L et al. Hum Mol Genet, 2017 12;26:4814-4822). Based on internal structural assessment, this alteration eliminates a structurally critical disulfide bond in the structurally sensitive EGF/cbEGF domain #20. The majority of FBN1 mutations identified to date have involved the substitution or generation of cysteine residues within cbEGF domains (Vollbrandt T et al. J Biol Chem. 2004;279(31):32924-32931). This amino acid position is highly conserved in available vertebrate species. In addition, this alteration is predicted to be deleterious by in silico analysis. Based on the supporting evidence, this alteration is interpreted as a disease-causing mutation.

Centre of Medical Genetics, University of Antwerp
Classification: Pathogenic for Marfan syndrome. Last evaluated: 2021-03-01. Review status: criteria provided, single submitter. Criteria: Submitter's publication. Collection method: research. Allele origin: unknown. Affected: yes.
Comment: PM2, PVS2, PP4

GeneDx
Classification: Pathogenic. Last evaluated: 2019-12-07. Review status: criteria provided, single submitter. Criteria: GeneDx Variant Classification Process June 2021. Collection method: clinical testing. Allele origin: germline. Affected: yes.
Comment: Affects a cysteine residue within a calcium-binding EGF-like domain of the FBN1 gene, which may affect disulfide bonding and is predicted to alter the structure and function of the protein; cysteine substitutions in the calcium-binding EGF-like domains represent the majority of pathogenic missense changes associated with FBN1 related disorders (Collod-Beroud et al., 2003).; Reported in ClinVar as pathogenic and reported by one external lab to segregate with disease in multiple affected relatives from one family (ClinVar Variant ID# 42351; Landrum et al., 2016); Not observed in large population cohorts (Lek et al., 2016); In silico analysis, which includes protein predictors and evolutionary conservation, supports a deleterious effect; This variant is associated with the following publications: (PMID: 31536524, 19293843, 19863550, 24793577, 31730815)

Laboratory for Molecular Medicine, Mass General Brigham Personalized Medicine
Classification: Pathogenic for Marfan syndrome. Last evaluated: 2014-04-18. Review status: criteria provided, single submitter. Criteria: LMM Criteria. Collection method: clinical testing. Allele origin: germline. Inheritance: Autosomal dominant inheritance. Observed: 5 variant alleles.
Comment: The Cys1408Arg variant in FBN1 has been previously reported in 4 individuals wit h clinical features of Marfan syndrome, segregated with disease in 5 affected fa mily members from 1 family including 2 obligate carriers, and was absent from la rge population studies (Stheneur 2009, Yoo 2010, LMM unpublished data). The cyst eine (Cys) at position 1408 is highly conserved in mammals and evolutionarily di stant species, supporting that a change at this position may not be tolerated. I n addition, this variant affects a cysteine residue; cysteine substitutions are a common finding in individuals with Marfan syndrome (Schrijver, 1999). In summa ry, this variant meets our criteria to be classified as pathogenic based on the available evidence described above.

Center for Medical Genetics Ghent, University of Ghent
Classification: Likely pathogenic for Marfan syndrome. Last evaluated: 2017-11-07. Review status: no assertion criteria provided. Collection method: clinical testing. Allele origin: germline. Affected: yes. Not counted in ClinVar's aggregate classification.

Literature cited by the submitters: PubMed 19293843 (cited by 4 submitters); PubMed 19863550 (cited by 3 submitters); PubMed 35612688 (cited by Variantyx, Inc.); PubMed 38190127 (cited by Variantyx, Inc.); PubMed 36517271 (cited by Variantyx, Inc.); PubMed 35058154 (cited by Variantyx, Inc.); PubMed 16905551 (cited by Labcorp Genetics (formerly Invitae), Labcorp); PubMed 19349279 (cited by Labcorp Genetics (formerly Invitae), Labcorp); PubMed 16571647 (cited by Labcorp Genetics (formerly Invitae), Labcorp); PubMed 17701892 (cited by Labcorp Genetics (formerly Invitae), Labcorp); PubMed 21542060 (cited by Ambry Genetics); PubMed 24793577 (cited by Ambry Genetics); PubMed 28973303 (cited by Ambry Genetics); PubMed 31536524 (cited by Ambry Genetics); PubMed 31730815 (cited by Ambry Genetics); PubMed 10486319 (cited by Laboratory for Molecular Medicine, Mass General Brigham Personalized Medicine); PubMed 11175294 (cited by Laboratory for Molecular Medicine, Mass General Brigham Personalized Medicine).

NM_000138.5(FBN1):c.4222T>C (p.Cys1408Arg)

Genes: FBN1 (fibrillin 1; minus strand), LOC126862124 (CDK7 strongly-dependent group 2 enhancer GRCh37_chr15:48764566-48765765; plus strand). Cytogenetic location: 15q21.1.
Variant type: single nucleotide variant.
Coding change: c.4222T>C on transcript NM_000138.5 (MANE Select); coding-DNA position 4222, T replaced by C.
Protein change: p.Cys1408Arg; replaces cysteine 1408 with arginine.
Molecular consequence: missense variant.
Genome position (GRCh38, 1-based): chr15:48,472,665, A>G on the plus strand (T>C on the coding strand, the complement: FBN1 is on the minus strand). VCF-style: chr15-48472665-A-G. GRCh37 (hg19) VCF-style: chr15-48764862-A-G.
Other names: short protein forms C1408R.
Identifiers: ClinVar variation 42351 (VCV000042351.37), dbSNP rs397515802, ClinGen allele CA014867.